The following is an entry in ClinVar:

NM_000051.4(ATM):c.4912A>G (p.Asn1638Asp)

Gene: ATM (ATM serine/threonine kinase; plus strand). Cytogenetic location: 11q22.3.
Variant type: single nucleotide variant.
Coding change: c.4912A>G on transcript NM_000051.4 (MANE Select); coding-DNA position 4912, A replaced by G.
Protein change: p.Asn1638Asp; replaces asparagine 1638 with aspartic acid.
Molecular consequence: missense variant.
Genome position (GRCh38, 1-based): chr11:108,297,289, A>G. VCF-style: chr11-108297289-A-G. GRCh37 (hg19) VCF-style: chr11-108168016-A-G.
Other names: c.4912A>G, p.Asn1638Asp (NM_001351834.2); short protein forms N1638D.
Identifiers: ClinVar variation 4718571 (VCV004718571.1).
Genomic context (GRCh38, chr11:108,297,289, plus strand): 5'-TAAACAAAAGTGTTGTCTTCATGCTAGTTTAAACTAATTTTTAAAAAATTATTTCTAGAT[A>G]ATCCGCAAGATGGGATTATGGTGAAACTAGTTGTCAATTTGTTGCAGTTATCCAAGATGG-3'
Protein context (NP_000042.3, residues 1628-1648): MVDIMRASQD[Asn1638Asp]PQDGIMVKLV

ClinVar aggregate classification (germline): Uncertain significance (1 of 4 stars; one submission).

Conditions:
Ataxia-telangiectasia syndrome (AT). Also called: ATAXIA-TELANGIECTASIA, COMPLEMENTATION GROUP A; ATAXIA-TELANGIECTASIA, FRESNO VARIANT; Ataxia-telangiectasia; LOUIS-BAR SYNDROME; Cerebello-oculocutaneous telangiectasia; Immunodeficiency with ataxia telangiectasia. Identifiers: Orphanet 100, MedGen C0004135, MONDO:0008840, OMIM 208900.

gnomAD v4.1: 1 of 1,613,410 alleles (0.000062%); highest among the groups gnomAD compares: African/African-American, 0.0013%; no homozygotes.

Submission:

Labcorp Genetics (formerly Invitae), Labcorp
Classification: Uncertain significance for Ataxia-telangiectasia syndrome. Last evaluated: 2025-04-29. Review status: criteria provided, single submitter. Criteria: Invitae Variant Classification Sherloc (09022015). Collection method: clinical testing. Allele origin: germline.
Comment: This sequence change replaces asparagine, which is neutral and polar, with aspartic acid, which is acidic and polar, at codon 1638 of the ATM protein (p.Asn1638Asp). This variant is present in population databases (no rsID available, gnomAD 0.01%). This variant has not been reported in the literature in individuals affected with ATM-related conditions. An algorithm developed to predict the effect of missense changes on protein structure and function (PolyPhen-2) suggests that this variant is likely to be tolerated. In summary, the available evidence is currently insufficient to determine the role of this variant in disease. Therefore, it has been classified as a Variant of Uncertain Significance.